The following is an entry in ClinVar:

ClinVar aggregate classification (germline): Uncertain significance (1 of 4 stars; one submission).

Conditions:
Hereditary sensory neuropathy-deafness-dementia syndrome. Also called: Hereditary sensory neuropathy type IE; HSN IE; NEUROPATHY, HEREDITARY SENSORY, WITH HEARING LOSS AND DEMENTIA; Hereditary Sensory and Autonomic Neuropathy Type 1E (HSAN1E). Identifiers: Orphanet 456318, MedGen C3279885, MONDO:0013584, OMIM 614116.

Submission:

Labcorp Genetics (formerly Invitae), Labcorp
Classification: Uncertain significance for Hereditary sensory neuropathy-deafness-dementia syndrome. Last evaluated: 2025-08-25. Review status: criteria provided, single submitter. Criteria: Invitae Variant Classification Sherloc (09022015). Collection method: clinical testing. Allele origin: germline.
Comment: This sequence change replaces threonine, which is neutral and polar, with isoleucine, which is neutral and non-polar, at codon 1077 of the DNMT1 protein (p.Thr1077Ile). This variant is not present in population databases (gnomAD no frequency). This variant has not been reported in the literature in individuals affected with DNMT1-related conditions. Invitae Evidence Modeling of protein sequence and biophysical properties (such as structural, functional, and spatial information, amino acid conservation, physicochemical variation, residue mobility, and thermodynamic stability) indicates that this missense variant is not expected to disrupt DNMT1 protein function with a negative predictive value of 80%. In summary, the available evidence is currently insufficient to determine the role of this variant in disease. Therefore, it has been classified as a Variant of Uncertain Significance.

NM_001130823.3(DNMT1):c.3230C>T (p.Thr1077Ile)

Gene: DNMT1 (DNA methyltransferase 1; minus strand). Cytogenetic location: 19p13.2.
Variant type: single nucleotide variant.
Coding change: c.3230C>T on transcript NM_001130823.3 (MANE Select); coding-DNA position 3230, C replaced by T.
Protein change: p.Thr1077Ile; replaces threonine 1077 with isoleucine.
Molecular consequence: missense variant.
Genome position (GRCh38, 1-based): chr19:10,142,107, G>A on the plus strand (C>T on the coding strand, the complement: DNMT1 is on the minus strand). VCF-style: chr19-10142107-G-A. GRCh37 (hg19) VCF-style: chr19-10252783-G-A.
Other names: c.3182C>T, p.Thr1061Ile (NM_001318730.2, NM_001379.4); c.2867C>T, p.Thr956Ile (NM_001318731.2); short protein forms T1061I, T1077I, T956I.
Identifiers: ClinVar variation 4804603 (VCV004804603.1).